The following is an entry in ClinVar:

ClinVar aggregate classification (germline): Uncertain significance (1 of 4 stars; one submission).

Allele frequency attached by ClinVar (database versions not stated): gnomAD exomes below 0.00001.
gnomAD v4.1: 1 of 1,610,314 alleles (0.000062%); highest among the groups gnomAD compares: Non-Finnish European, 0.000085%; no homozygotes.

Submission:

GeneDx
Classification: Uncertain significance. Last evaluated: 2025-10-01. Review status: criteria provided, single submitter. Criteria: GeneDx Variant Classification Process June 2021. Collection method: clinical testing. Allele origin: germline. Affected: yes.
Comment: Not observed at significant frequency in large population cohorts (gnomAD); In silico analysis supports a deleterious effect on splicing; In silico analysis suggests that this missense variant does not alter protein structure/function; Has not been previously published as pathogenic or benign to our knowledge

NM_001377.3(DYNC2H1):c.11021A>G (p.Gln3674Arg)

Gene: DYNC2H1 (dynein cytoplasmic 2 heavy chain 1; plus strand). Cytogenetic location: 11q22.3.
Variant type: single nucleotide variant.
Coding change: c.11021A>G on transcript NM_001377.3 (MANE Select); coding-DNA position 11021, A replaced by G.
Protein change: p.Gln3674Arg; replaces glutamine 3674 with arginine.
Molecular consequence: missense variant.
Genome position (GRCh38, 1-based): chr11:103,286,385, A>G. VCF-style: chr11-103286385-A-G. GRCh37 (hg19) VCF-style: chr11-103157114-A-G.
Other names: c.11042A>G, p.Gln3681Arg (NM_001080463.2); short protein forms Q3674R, Q3681R.
Identifiers: ClinVar variation 1317604 (VCV001317604.3), dbSNP rs2135353472, ClinGen allele CA382258587.